The following is an entry in ClinVar:

NM_000091.5(COL4A3):c.838G>A (p.Gly280Arg)

Genes: COL4A3 (collagen type IV alpha 3 chain; plus strand), MFF-DT (MFF divergent transcript; minus strand). Cytogenetic location: 2q36.3.
Variant type: single nucleotide variant.
Coding change: c.838G>A on transcript NM_000091.5 (MANE Select); coding-DNA position 838, G replaced by A.
Protein change: p.Gly280Arg; replaces glycine 280 with arginine.
Molecular consequence: missense variant.
Genome position (GRCh38, 1-based): chr2:227,254,665, G>A. VCF-style: chr2-227254665-G-A. GRCh37 (hg19) VCF-style: chr2-228119381-G-A.
Other names: short protein forms G280R.
Identifiers: ClinVar variation 931180 (VCV000931180.5), dbSNP rs2070035662, ClinGen allele CA350866178.
Genomic context (GRCh38, chr2:227,254,665, plus strand): 5'-AGTAAAAAAATCAGTAATTCATAAAATTTGACATGGCTCTAATTAATACAGGGACTGCCT[G>A]GAGAATCATATGGATCTGAAAAGGGTGCTCCTGGAGACCCTGGCCTGCAGGTAAATTTGG-3'
Protein context (NP_000082.2, residues 270-290): PGPPGPSGLP[Gly280Arg]ESYGSEKGAP

ClinVar aggregate classification (germline): Conflicting classifications of pathogenicity. Review status: criteria provided, conflicting classifications (1 of 4 stars). 3 submissions from 3 submitters: Likely pathogenic (2); Uncertain significance (1). Last evaluated 2026-01-05.

Conditions:
Autosomal dominant Alport syndrome (ATS3A). Also called: Alport syndrome dominant type; Renal failure and sensorineural hearing loss; ALPORT SYNDROME 3A, AUTOSOMAL DOMINANT. Identifiers: Orphanet 63, Orphanet 88918, MedGen C5882663, MONDO:0007086, OMIM 104200.
Alport syndrome 3b, autosomal recessive. Identifiers: MedGen C5882699, MONDO:0957811, OMIM 620536.
Hematuria, benign familial, 2 (BFH2). Identifiers: MedGen C5830421, MONDO:0958186, OMIM 620320.
Alport syndrome. Also called: Hemorrhagic familial nephritis; Hemorrhagic hereditary nephritis; Congenital hereditary hematuria. Identifiers: Orphanet 63, MedGen C1567741, MONDO:0018965.

Submissions (3):

Myriad Genetics, Inc.
Classification: Uncertain significance for Alport syndrome. Last evaluated: 2026-01-05. Review status: criteria provided, single submitter. Criteria: Myriad Autosomal Dominant, Autosomal Recessive and X-Linked Classification Criteria (2023). Collection method: clinical testing. Allele origin: unknown.
Comment: NM_000091.4(COL4A3):c.838G>A(G280R) is a missense variant classified as a variant of uncertain significance in the context of Alport syndrome, COL4A3-related. G280R has been observed in a case with relevant disease (PMID: 35675912). Relevant functional assessments of this variant are not available in the literature. G280R has not been observed in referenced population frequency databases. In summary, there is insufficient evidence to classify NM_000091.4(COL4A3):c.838G>A(G280R) as pathogenic or benign. Please note: this variant was assessed in the context of healthy population screening.

Fulgent Genetics
Classification: Likely pathogenic for Autosomal dominant Alport syndrome; Hematuria, benign familial, 2; Alport syndrome 3b, autosomal recessive. Last evaluated: 2024-05-06. Review status: criteria provided, single submitter. Criteria: ACMG Guidelines, 2015. Collection method: clinical testing. Allele origin: germline.

Centre for Mendelian Genomics, University Medical Centre Ljubljana
Classification: Likely pathogenic for Autosomal dominant Alport syndrome. Last evaluated: 2019-11-29. Review status: criteria provided, single submitter. Criteria: ACMG Guidelines, 2015. Collection method: clinical testing. Allele origin: unknown. Affected: yes.
Comment: This variant was classified as: Likely pathogenic. The following ACMG criteria were applied in classifying this variant: PM2,PP2,PP3,PM1.

Literature cited by the submitters: PubMed 35675912 (cited by Myriad Genetics, Inc.).